The following is an entry in ClinVar:

NM_001035.3(RYR2):c.526C>T (p.Arg176Ter)

Gene: RYR2 (ryanodine receptor 2; plus strand). Cytogenetic location: 1q43.
Variant type: single nucleotide variant.
Coding change: c.526C>T on transcript NM_001035.3 (MANE Select); coding-DNA position 526, C replaced by T.
Protein change: p.Arg176Ter; replaces arginine 176 with a stop codon.
Molecular consequence: nonsense.
Genome position (GRCh38, 1-based): chr1:237,377,385, C>T. VCF-style: chr1-237377385-C-T. GRCh37 (hg19) VCF-style: chr1-237540685-C-T.
Other names: c.526C>T (NM_001035.2); short protein forms R176*.
Identifiers: ClinVar variation 3691657 (VCV003691657.3).

ClinVar aggregate classification (germline): Uncertain significance. Review status: criteria provided, multiple submitters, no conflicts (2 of 4 stars). 2 submissions from 2 submitters: Uncertain significance (2). Last evaluated 2025-11-26.

Conditions:
Catecholaminergic polymorphic ventricular tachycardia 1. Also called: VENTRICULAR TACHYCARDIA, STRESS-INDUCED POLYMORPHIC 1; VENTRICULAR TACHYCARDIA, CATECHOLAMINERGIC POLYMORPHIC, 1, WITH OR WITHOUT ATRIAL DYSFUNCTION AND/OR DILATED CARDIOMYOPATHY; RYR2-Related Catecholaminergic Polymorphic Ventricular Tachycardia. Identifiers: Orphanet 3286, MedGen C1631597, MONDO:0011484, OMIM 604772.
Cardiovascular phenotype. Identifiers: MedGen CN230736.

gnomAD v4.1: 3 of 1,613,512 alleles (0.00019%); highest among the groups gnomAD compares: Non-Finnish European, 0.00017%; no homozygotes.

Submissions (2):

Ambry Genetics
Classification: Uncertain significance for Cardiovascular phenotype. Last evaluated: 2025-11-26. Review status: criteria provided, single submitter. Criteria: Ambry Variant Classification Scheme 2023. Collection method: clinical testing. Allele origin: germline.
Comment: The p.R176* variant (also known as c.526C>T), located in coding exon 8 of the RYR2 gene, results from a C to T substitution at nucleotide position 526. This changes the amino acid from an arginine to a stop codon within coding exon 8. This alteration is expected to result in protein truncation or nonsense-mediated mRNA decay. However, loss of function has not been established as a mechanism of disease. Based on the available evidence, the clinical significance of this alteration remains unclear.

Labcorp Genetics (formerly Invitae), Labcorp
Classification: Uncertain significance for Catecholaminergic polymorphic ventricular tachycardia 1. Last evaluated: 2024-08-11. Review status: criteria provided, single submitter. Criteria: Invitae Variant Classification Sherloc (09022015). Collection method: clinical testing. Allele origin: germline.
Comment: This sequence change creates a premature translational stop signal (p.Arg176*) in the RYR2 gene. It is expected to result in an absent or disrupted protein product. However, the current clinical and genetic evidence is not sufficient to establish whether loss-of-function variants in RYR2 cause disease. This variant is not present in population databases (gnomAD no frequency). This variant has not been reported in the literature in individuals affected with RYR2-related conditions. Algorithms developed to predict the effect of sequence changes on RNA splicing suggest that this variant may disrupt the consensus splice site. In summary, the available evidence is currently insufficient to determine the role of this variant in disease. Therefore, it has been classified as a Variant of Uncertain Significance.